The following is an entry in ClinVar:

NM_015450.3(POT1):c.1186G>T (p.Asp396Tyr)

Gene: POT1 (protection of telomeres 1; minus strand). Cytogenetic location: 7q31.33.
Variant type: single nucleotide variant.
Coding change: c.1186G>T on transcript NM_015450.3 (MANE Select); coding-DNA position 1186, G replaced by T.
Protein change: p.Asp396Tyr; replaces aspartic acid 396 with tyrosine.
Molecular consequence: missense variant. On other transcripts: non-coding transcript variant (3).
Genome position (GRCh38, 1-based): chr7:124,841,156, C>A on the plus strand (G>T on the coding strand, the complement: POT1 is on the minus strand). VCF-style: chr7-124841156-C-A. GRCh37 (hg19) VCF-style: chr7-124481210-C-A.
Other names: c.793G>T, p.Asp265Tyr (NM_001042594.2); short protein forms D265Y, D396Y.
Identifiers: ClinVar variation 4782185 (VCV004782185.1).

ClinVar aggregate classification (germline): Uncertain significance (1 of 4 stars; one submission).

Conditions:
Tumor predisposition syndrome 3 (TPDS3). Also called: Glioma susceptibility 9; Melanoma, cutaneous malignant, susceptibility to, 10; LONG TELOMERE SYNDROME, POT1-RELATED; POT1 Tumor Predisposition. Identifiers: Orphanet 618, MedGen C4014476, MONDO:0014368, OMIM 615848.

gnomAD v4.1: 1 of 1,612,052 alleles (0.000062%); highest among the groups gnomAD compares: Non-Finnish European, 0.000085%; no homozygotes.

Submission:

Labcorp Genetics (formerly Invitae), Labcorp
Classification: Uncertain significance for Tumor predisposition syndrome 3. Last evaluated: 2025-09-12. Review status: criteria provided, single submitter. Criteria: Invitae Variant Classification Sherloc (09022015). Collection method: clinical testing. Allele origin: germline.
Comment: This sequence change replaces aspartic acid, which is acidic and polar, with tyrosine, which is neutral and polar, at codon 396 of the POT1 protein (p.Asp396Tyr). This variant is not present in population databases (gnomAD no frequency). This variant has not been reported in the literature in individuals affected with POT1-related conditions. Invitae Evidence Modeling of protein sequence and biophysical properties (such as structural, functional, and spatial information, amino acid conservation, physicochemical variation, residue mobility, and thermodynamic stability) indicates that this missense variant is not expected to disrupt POT1 protein function with a negative predictive value of 80%. Algorithms developed to predict the effect of sequence changes on RNA splicing suggest that this variant may disrupt the consensus splice site. In summary, the available evidence is currently insufficient to determine the role of this variant in disease. Therefore, it has been classified as a Variant of Uncertain Significance.